The following is an entry in ClinVar:

NM_003846.3(PEX11B):c.92C>T (p.Ala31Val)

Gene: PEX11B (peroxisomal biogenesis factor 11 beta; minus strand). Cytogenetic location: 1q21.1.
Variant type: single nucleotide variant.
Coding change: c.92C>T on transcript NM_003846.3 (MANE Select); coding-DNA position 92, C replaced by T.
Protein change: p.Ala31Val; replaces alanine 31 with valine.
Molecular consequence: missense variant. On other transcripts: non-coding transcript variant (3).
Genome position (GRCh38, 1-based): chr1:145,917,781, G>A on the plus strand (C>T on the coding strand, the complement: PEX11B is on the minus strand). VCF-style: chr1-145917781-G-A. GRCh37 (hg19) VCF-style: chr1-145517308-C-T.
Other names: c.50C>T, p.Ala17Val (NM_001184795.1); short protein forms A31V, A17V.
Identifiers: ClinVar variation 1396646 (VCV001396646.3), dbSNP rs782229863, ClinGen allele CA342124367.

ClinVar aggregate classification (germline): Uncertain significance (1 of 4 stars; one submission).

gnomAD v4.1: 7 of 1,613,368 alleles (0.00043%); highest among the groups gnomAD compares: East Asian, 0.0022%; no homozygotes.

Submission:

Labcorp Genetics (formerly Invitae), Labcorp
Classification: Uncertain significance. Last evaluated: 2021-12-08. Review status: criteria provided, single submitter. Criteria: Invitae Variant Classification Sherloc (09022015). Collection method: clinical testing. Allele origin: germline.
Comment: This sequence change replaces alanine, which is neutral and non-polar, with valine, which is neutral and non-polar, at codon 31 of the PEX11B protein (p.Ala31Val). This variant is present in population databases (no rsID available, gnomAD 0.006%). This variant has not been reported in the literature in individuals affected with PEX11B-related conditions. Algorithms developed to predict the effect of missense changes on protein structure and function are either unavailable or do not agree on the potential impact of this missense change (SIFT: "Deleterious"; PolyPhen-2: "Benign"; Align-GVGD: "Class C0"). In summary, the available evidence is currently insufficient to determine the role of this variant in disease. Therefore, it has been classified as a Variant of Uncertain Significance.